The following is an entry in ClinVar:

ClinVar aggregate classification (germline): Uncertain significance. Review status: criteria provided, multiple submitters, no conflicts (2 of 4 stars). 3 submissions from 3 submitters: Uncertain significance (3). Last evaluated 2025-11-12.

Conditions:
Adams-Oliver syndrome 5 (AOS5). Identifiers: Orphanet 974, MedGen C4014970, MONDO:0014459, OMIM 616028.
Familial thoracic aortic aneurysm and aortic dissection (TAAD). Also called: Thoracic aortic aneurysms and dissections. Identifiers: Orphanet 91387, MedGen C4707243, MONDO:0019625.

Allele frequency attached by ClinVar (database versions not stated): gnomAD exomes 0.00001; TOPMed 0.00001.
gnomAD v4.1: 13 of 1,612,722 alleles (0.00081%); highest among the groups gnomAD compares: Non-Finnish European, 0.0011%; no homozygotes.

Submissions (3):

Labcorp Genetics (formerly Invitae), Labcorp
Classification: Uncertain significance for Adams-Oliver syndrome 5. Last evaluated: 2025-11-12. Review status: criteria provided, single submitter. Criteria: Invitae Variant Classification Sherloc (09022015). Collection method: clinical testing. Allele origin: germline.
Comment: This sequence change falls in intron 27 of the NOTCH1 gene. It does not directly change the encoded amino acid sequence of the NOTCH1 protein. It affects a nucleotide within the consensus splice site. This variant is present in population databases (no rsID available, gnomAD 0.01%). This variant has not been reported in the literature in individuals affected with NOTCH1-related conditions. ClinVar contains an entry for this variant (Variation ID: 1308150). Variants that disrupt the consensus splice site are a relatively common cause of aberrant splicing (PMID: 17576681, 9536098). Algorithms developed to predict the effect of sequence changes on RNA splicing suggest that this variant is not likely to affect RNA splicing. In summary, the available evidence is currently insufficient to determine the role of this variant in disease. Therefore, it has been classified as a Variant of Uncertain Significance.

Ambry Genetics
Classification: Uncertain significance for Familial thoracic aortic aneurysm and aortic dissection. Last evaluated: 2025-09-08. Review status: criteria provided, single submitter. Criteria: Ambry Variant Classification Scheme 2023. Collection method: clinical testing. Allele origin: germline.
Comment: The c.5167+3A>G intronic variant results from an A to G substitution 3 nucleotides after coding exon 27 in the NOTCH1 gene. This nucleotide position is poorly conserved in available vertebrate species. In silico splice site analysis predicts that this alteration will not have any significant effect on splicing. Since supporting evidence is limited at this time, the clinical significance of this alteration remains unclear.

GeneDx
Classification: Uncertain significance. Last evaluated: 2019-08-20. Review status: criteria provided, single submitter. Criteria: GeneDx Variant Classification Process June 2021. Collection method: clinical testing. Allele origin: germline. Affected: yes.
Comment: Has not been previously published as pathogenic or benign to our knowledge; Not observed at a significant frequency in large population cohorts (Lek et al., 2016); In-silico analysis, which includes splice predictors and evolutionary conservation, is inconclusive as to whether the variant alters gene splicing. In the absence of RNA/functional studies, the actual effect of this sequence change is unknown.

Literature cited by the submitters: PubMed 17576681 (cited by Labcorp Genetics (formerly Invitae), Labcorp); PubMed 9536098 (cited by Labcorp Genetics (formerly Invitae), Labcorp).

NM_017617.5(NOTCH1):c.5167+3A>G

Gene: NOTCH1 (notch receptor 1; minus strand). Cytogenetic location: 9q34.3.
Variant type: single nucleotide variant.
Coding change: c.5167+3A>G on transcript NM_017617.5 (MANE Select); 3 bases into the intron after coding-DNA position 5167, A replaced by G.
Molecular consequence: intron variant.
Genome position (GRCh38, 1-based): chr9:136,503,179, T>C on the plus strand (A>G on the coding strand, the complement: NOTCH1 is on the minus strand). VCF-style: chr9-136503179-T-C. GRCh37 (hg19) VCF-style: chr9-139397631-T-C.
Identifiers: ClinVar variation 1308150 (VCV001308150.9), dbSNP rs1025172473, ClinGen allele CA201642690.
Genomic context (GRCh38, chr9:136,503,179, plus strand): 5'-GGGGCACGGGGGGATGGCACCCCCTGCAGGCAGAGCCTGTTCCCGGGATGGGGCCACACT[T>C]ACTCTGCACGGCCTCGATCTTGTAGGGGATGTTGAGGCTGCCCAGCGAGGCGAGCGCTCC-3'